The following is an entry in ClinVar:

ClinVar aggregate classification (germline): Uncertain significance (1 of 4 stars; one submission).

Submission:

Labcorp Genetics (formerly Invitae), Labcorp
Classification: Uncertain significance. Last evaluated: 2025-06-15. Review status: criteria provided, single submitter. Criteria: Invitae Variant Classification Sherloc (09022015). Collection method: clinical testing. Allele origin: germline.
Comment: This sequence change replaces glutamic acid, which is acidic and polar, with lysine, which is basic and polar, at codon 737 of the ITSN2 protein (p.Glu737Lys). This variant is not present in population databases (gnomAD no frequency). This variant has not been reported in the literature in individuals affected with ITSN2-related conditions. Experimental studies and prediction algorithms are not available or were not evaluated, and the functional significance of this variant is currently unknown. In summary, the available evidence is currently insufficient to determine the role of this variant in disease. Therefore, it has been classified as a Variant of Uncertain Significance.

NM_006277.3(ITSN2):c.2209G>A (p.Glu737Lys)

Gene: ITSN2 (intersectin 2; minus strand). Cytogenetic location: 2p23.3.
Variant type: single nucleotide variant.
Coding change: c.2209G>A on transcript NM_006277.3 (MANE Select); coding-DNA position 2209, G replaced by A.
Protein change: p.Glu737Lys; replaces glutamic acid 737 with lysine.
Molecular consequence: missense variant.
Genome position (GRCh38, 1-based): chr2:24,271,814, C>T on the plus strand (G>A on the coding strand, the complement: ITSN2 is on the minus strand). VCF-style: chr2-24271814-C-T. GRCh37 (hg19) VCF-style: chr2-24494683-C-T.
Other names: c.2167G>A, p.Glu723Lys (NM_001348181.2); c.2128G>A, p.Glu710Lys (NM_001348182.2, NM_001348183.2, NM_001348186.2 and 1 more transcripts); c.2086G>A, p.Glu696Lys (NM_001348184.2); c.2209G>A, p.Glu737Lys (NM_001348185.2, NM_147152.3); short protein forms E710K, E696K, E737K, E723K.
Identifiers: ClinVar variation 4771054 (VCV004771054.1).
Genomic context (GRCh38, chr2:24,271,814, plus strand): 5'-CCTTATCCTTACGTTTTTTCTCCTCAGCTTTCAAAGTATCCTTATCCTTACGTTGTTTCT[C>T]CTCAGCTTTCCGTTCCTCTTCTTGAATTTTTTCTTGTGTTTTTTCTTCCTGGAGTCGCTT-3'
Protein context (NP_006268.2, residues 727-747): KIQEEERKAE[Glu737Lys]KQRKDKDTLK